The following is an entry in ClinVar:

ClinVar aggregate classification (germline): Pathogenic/Likely pathogenic. Review status: criteria provided, multiple submitters, no conflicts (2 of 4 stars). 2 submissions from 2 submitters: Pathogenic (1); Likely pathogenic (1). Last evaluated 2024-02-10.

Conditions:
Peroxisome biogenesis disorder 7A (Zellweger). Also called: Peroxisome biogenesis disorder 7A. Identifiers: Orphanet 912, MedGen C3888385, MONDO:0013938, OMIM 614872.
Peroxisome biogenesis disorder 7B (PBD7B). Identifiers: Orphanet 44, MedGen C3553951, MONDO:0013939, OMIM 614873.

Allele frequency attached by ClinVar (database versions not stated): ExAC 0.00001; gnomAD exomes 0.00001.

Submissions (2):

Baylor Genetics
Classification: Likely pathogenic for Peroxisome biogenesis disorder 7A (Zellweger). Last evaluated: 2024-02-10. Review status: criteria provided, single submitter. Criteria: ACMG Guidelines, 2015. Collection method: clinical testing. Allele origin: unknown.

Labcorp Genetics (formerly Invitae), Labcorp
Classification: Pathogenic for Peroxisome biogenesis disorder 7A (Zellweger); Peroxisome biogenesis disorder 7B. Last evaluated: 2022-08-05. Review status: criteria provided, single submitter. Criteria: Invitae Variant Classification Sherloc (09022015). Collection method: clinical testing. Allele origin: germline.
Comment: This sequence change creates a premature translational stop signal (p.Tyr110Serfs*4) in the PEX26 gene. It is expected to result in an absent or disrupted protein product. Loss-of-function variants in PEX26 are known to be pathogenic (PMID: 12851857, 21031596). This variant is present in population databases (rs768272302, gnomAD 0.01%). This variant has not been reported in the literature in individuals affected with PEX26-related conditions. For these reasons, this variant has been classified as Pathogenic.

Literature cited by the submitters: PubMed 12851857 (cited by Labcorp Genetics (formerly Invitae), Labcorp); PubMed 21031596 (cited by Labcorp Genetics (formerly Invitae), Labcorp).

NM_001127649.3(PEX26):c.329_330del (p.Tyr110fs)

Gene: PEX26 (peroxisomal biogenesis factor 26; plus strand). Cytogenetic location: 22q11.21.
Variant type: Deletion.
Coding change: c.329_330del on transcript NM_001127649.3 (MANE Select); coding-DNA positions 329 to 330, 2 bases deleted (AC; older notation c.329_330delAC).
Protein change: p.Tyr110fs; shifts the reading frame from tyrosine 110.
Molecular consequence: frameshift variant.
Genome position (GRCh38, 1-based): chr22:18,079,972-18,079,973, AC deleted. VCF-style (leftmost placement, unchanged base first): chr22-18079971-TAC-T. GRCh37 (hg19) VCF-style: chr22-18562737-TAC-T.
Other names: c.329_330del, p.Tyr110fs (NM_001199319.2, NM_017929.6); short protein forms Y110fs.
Identifiers: ClinVar variation 1981287 (VCV001981287.5), dbSNP rs768272302, ClinGen allele CA10093290.